The following is an entry in ClinVar:

ClinVar aggregate classification (germline): Uncertain significance (1 of 4 stars; one submission).

Submission:

GeneDx
Classification: Uncertain significance. Last evaluated: 2026-03-19. Review status: criteria provided, single submitter. Criteria: GeneDx Variant Classification Process June 2021. Collection method: clinical testing. Allele origin: germline.
Comment: Not observed at significant frequency in large population cohorts (gnomAD); In silico analysis supports that this missense variant has a deleterious effect on protein structure/function; Has not been previously published as pathogenic or benign to our knowledge

NM_003470.3(USP7):c.2633A>G (p.Tyr878Cys)

Gene: USP7 (ubiquitin specific peptidase 7; minus strand). Cytogenetic location: 16p13.2.
Variant type: single nucleotide variant.
Coding change: c.2633A>G on transcript NM_003470.3 (MANE Select); coding-DNA position 2633, A replaced by G.
Protein change: p.Tyr878Cys; replaces tyrosine 878 with cysteine.
Molecular consequence: missense variant. On other transcripts: non-coding transcript variant (1).
Genome position (GRCh38, 1-based): chr16:8,898,538, T>C on the plus strand (A>G on the coding strand, the complement: USP7 is on the minus strand). VCF-style: chr16-8898538-T-C. GRCh37 (hg19) VCF-style: chr16-8992395-T-C.
Other names: c.2585A>G, p.Tyr862Cys (NM_001286457.2); c.2336A>G, p.Tyr779Cys (NM_001286458.2); c.2459A>G, p.Tyr820Cys (NM_001321858.2); short protein forms Y779C, Y820C, Y862C, Y878C.
Identifiers: ClinVar variation 5009478 (VCV005009478.1).
Genomic context (GRCh38, chr16:8,898,538, plus strand): 5'-AAACCCCGAGCCTTCTCTTTATGACCCATAGTTACATTAATTTGGACTCATACCTGCTGA[T>C]AGTAAAGTTTCTTAGGTTGTCTAGGCTTGAAGAACTGTAGAAGATCTCTTAAAGTACCTT-3'
Protein context (NP_003461.2, residues 868-888): FKPRQPKKLY[Tyr878Cys]QQLKMKITDF